The following is an entry in ClinVar:

NM_021930.6(RINT1):c.1374T>C (p.Ala458=)

Gene: RINT1 (RAD50 interactor 1; plus strand). Cytogenetic location: 7q22.3.
Variant type: single nucleotide variant.
Coding change: c.1374T>C on transcript NM_021930.6 (MANE Select); coding-DNA position 1374, T replaced by C.
Protein change: p.Ala458=; no amino-acid change (alanine 458 retained).
Molecular consequence: synonymous variant. On other transcripts: non-coding transcript variant (1).
Genome position (GRCh38, 1-based): chr7:105,551,610, T>C. VCF-style: chr7-105551610-T-C. GRCh37 (hg19) VCF-style: chr7-105192057-T-C.
Other names: c.1140T>C, p.Ala380= (NM_001346599.2); c.351T>C, p.Ala117= (NM_001346600.2, NM_001346603.2); c.450T>C, p.Ala150= (NM_001346601.2); c.1374T>C (NM_021930.5).
Identifiers: ClinVar variation 224930 (VCV000224930.16), dbSNP rs35961194, ClinGen allele CA357834.

ClinVar aggregate classification (germline): Benign. Review status: criteria provided, multiple submitters, no conflicts (2 of 4 stars). 4 submissions from 4 submitters: Benign (3). 1 of the submissions does not count toward it. Last evaluated 2026-02-03.

Conditions:
RINT1-related disorder. Also called: RINT1-related condition.

Allele frequency attached by ClinVar (database versions not stated): 1000 Genomes Project 0.01198; 1000 Genomes Project 30x 0.01359; gnomAD 0.01415 and 0.01433; ESP Exome Variant Server 0.01422; gnomAD exomes 0.01708 and 0.02392; TOPMed 0.01946; ExAC 0.02294.
gnomAD v4.1: 26,786 of 1,609,958 alleles (1.7%); highest among the groups gnomAD compares: Admixed American, 8.4%; 436 homozygotes.

Submissions (4):

Labcorp Genetics (formerly Invitae), Labcorp
Classification: Benign. Last evaluated: 2026-02-03. Review status: criteria provided, single submitter. Criteria: Invitae Variant Classification Sherloc (09022015). Collection method: clinical testing. Allele origin: germline.

Ambry Genetics
Classification: Benign. Last evaluated: 2020-07-30. Review status: criteria provided, single submitter. Criteria: Ambry Variant Classification Scheme 2023. Collection method: clinical testing. Allele origin: germline.

Breakthrough Genomics
Classification: Benign. Review status: criteria provided, single submitter. Criteria: ACMG Guidelines, 2015. Collection method: not provided. Allele origin: germline. Inheritance: Autosomal recessive inheritance. Affected: yes.

PreventionGenetics, part of Exact Sciences
Classification: Benign for RINT1-related condition. Last evaluated: 2019-02-27. Review status: no assertion criteria provided. Collection method: clinical testing. Allele origin: germline. Not counted in ClinVar's aggregate classification.
Comment: This variant is classified as benign based on ACMG/AMP sequence variant interpretation guidelines (Richards et al. 2015 PMID: 25741868, with internal and published modifications).